The following is an entry in ClinVar:

ClinVar aggregate classification (germline): Uncertain significance. Review status: criteria provided, multiple submitters, no conflicts (2 of 4 stars). 2 submissions from 2 submitters: Uncertain significance (2). Last evaluated 2024-12-28.

Conditions:
Inborn genetic diseases. Identifiers: MedGen C0950123, MeSH D030342.
Infantile-onset X-linked spinal muscular atrophy. Also called: SPINAL MUSCULAR ATROPHY, X-LINKED LETHAL INFANTILE; AMC, DISTAL, X-LINKED; ARTHROGRYPOSIS, X-LINKED, TYPE I; Spinal muscular atrophy, X-linked 2; Spinal Muscular Atrophy, X-Linked Infantile. Identifiers: Orphanet 1145, MedGen C1844934, MONDO:0010532, OMIM 301830.

Allele frequency attached by ClinVar (database versions not stated): gnomAD exomes below 0.00001 and 0.00001; gnomAD 0.00002 and 0.00004; TOPMed 0.00003.
gnomAD v4.1: 5 of 1,206,043 alleles (0.00041%); highest among the groups gnomAD compares: African/African-American, 0.0087%; no homozygotes.

Submissions (2):

Ambry Genetics
Classification: Uncertain significance for Inborn genetic diseases. Last evaluated: 2024-12-28. Review status: criteria provided, single submitter. Criteria: Ambry Variant Classification Scheme 2023. Collection method: clinical testing. Allele origin: germline.

Labcorp Genetics (formerly Invitae), Labcorp
Classification: Uncertain significance for Infantile-onset X-linked spinal muscular atrophy. Last evaluated: 2018-11-20. Review status: criteria provided, single submitter. Criteria: Invitae Variant Classification Sherloc (09022015). Collection method: clinical testing. Allele origin: germline.
Comment: In summary, the available evidence is currently insufficient to determine the role of this variant in disease. Therefore, it has been classified as a Variant of Uncertain Significance. Algorithms developed to predict the effect of missense changes on protein structure and function output the following: SIFT: "Tolerated"; PolyPhen-2: "Benign"; Align-GVGD: "Class C0". The arginine amino acid residue is found in multiple mammalian species, suggesting that this missense change does not adversely affect protein function. These predictions have not been confirmed by published functional studies and their clinical significance is uncertain. This variant has not been reported in the literature in individuals with UBA1-related disease. This variant is not present in population databases (ExAC no frequency). This sequence change replaces glutamine with arginine at codon 338 of the UBA1 protein (p.Gln338Arg). The glutamine residue is moderately conserved and there is a small physicochemical difference between glutamine and arginine.

NM_003334.4(UBA1):c.1013A>G (p.Gln338Arg)

Gene: UBA1 (ubiquitin like modifier activating enzyme 1; plus strand). Cytogenetic location: Xp11.3.
Variant type: single nucleotide variant.
Coding change: c.1013A>G on transcript NM_003334.4 (MANE Select); coding-DNA position 1013, A replaced by G.
Protein change: p.Gln338Arg; replaces glutamine 338 with arginine.
Molecular consequence: missense variant.
Genome position (GRCh38, 1-based): chrX:47,202,461, A>G. VCF-style: chrX-47202461-A-G. GRCh37 (hg19) VCF-style: chrX-47061860-A-G.
Other names: c.1013A>G, p.Gln338Arg (NM_153280.3); short protein forms Q338R.
Identifiers: ClinVar variation 644043 (VCV000644043.9), dbSNP rs550631811, ClinGen allele CA329034801.